The following is an entry in ClinVar:

ClinVar aggregate classification (germline): Conflicting classifications of pathogenicity. Review status: criteria provided, conflicting classifications (1 of 4 stars). 3 submissions from 3 submitters: Uncertain significance (1); Benign (1); Likely benign (1). Last evaluated 2026-07-01.

Conditions:
Obesity due to leptin receptor gene deficiency. Identifiers: Orphanet 179494, MedGen C3554225, MONDO:0013992, OMIM 614963.

Allele frequency attached by ClinVar (database versions not stated): 1000 Genomes Project 30x 0.00016; 1000 Genomes Project 0.00020; TOPMed 0.00028; ESP Exome Variant Server 0.00031; gnomAD exomes 0.00039; ExAC 0.00042; gnomAD 0.00052 and 0.00054.
gnomAD v4.1: 658 of 1,614,128 alleles (0.041%); highest among the groups gnomAD compares: Non-Finnish European, 0.049%; 1 homozygote.

Submissions (3):

CeGaT Center for Human Genetics Tuebingen
Classification: Likely benign. Last evaluated: 2026-07-01. Review status: criteria provided, single submitter. Criteria: CeGaT Center For Human Genetics Tuebingen Variant Classification Criteria Version 2. Collection method: clinical testing. Allele origin: germline. Affected: yes. Observed: 2 variant alleles.
Comment: LEPR: BP4, BP7

Labcorp Genetics (formerly Invitae), Labcorp
Classification: Benign. Last evaluated: 2025-10-26. Review status: criteria provided, single submitter. Criteria: Invitae Variant Classification Sherloc (09022015). Collection method: clinical testing. Allele origin: germline.

Illumina Laboratory Services, Illumina
Classification: Uncertain significance for Obesity due to leptin receptor gene deficiency. Last evaluated: 2018-01-12. Review status: criteria provided, single submitter. Criteria: ICSL Variant Classification Criteria 13 December 2019. Collection method: clinical testing. Allele origin: germline.

NM_002303.6(LEPR):c.3078T>C (p.Asn1026=)

Gene: LEPR (leptin receptor; plus strand). Cytogenetic location: 1p31.3.
Variant type: single nucleotide variant.
Coding change: c.3078T>C on transcript NM_002303.6 (MANE Select); coding-DNA position 3078, T replaced by C.
Protein change: p.Asn1026=; no amino-acid change (asparagine 1026 retained).
Molecular consequence: synonymous variant.
Genome position (GRCh38, 1-based): chr1:65,636,595, T>C. VCF-style: chr1-65636595-T-C. GRCh37 (hg19) VCF-style: chr1-66102278-T-C.
Identifiers: ClinVar variation 298001 (VCV000298001.32), dbSNP rs34130975, ClinGen allele CA895219.
Genomic context (GRCh38, chr1:65,636,595, plus strand): 5'-TAGTTCAGTCACCAAGTGCTTCTCTAGCAAAAATTCTCCGTTGAAGGATTCTTTCTCTAA[T>C]AGCTCATGGGAGATAGAGGCCCAGGCATTTTTTATATTATCAGATCAGCATCCCAACATA-3'
Protein context (NP_002294.2, residues 1016-1036): KNSPLKDSFS[Asn1026=]SSWEIEAQAF